The following is an entry in ClinVar:

NM_001080517.3(SETD5):c.1163C>T (p.Ala388Val)

Gene: SETD5 (SET domain containing 5; plus strand). Cytogenetic location: 3p25.3.
Variant type: single nucleotide variant.
Coding change: c.1163C>T on transcript NM_001080517.3 (MANE Select); coding-DNA position 1163, C replaced by T.
Protein change: p.Ala388Val; replaces alanine 388 with valine.
Molecular consequence: missense variant.
Genome position (GRCh38, 1-based): chr3:9,443,393, C>T. VCF-style: chr3-9443393-C-T. GRCh37 (hg19) VCF-style: chr3-9485077-C-T.
Other names: c.869C>T, p.Ala290Val (NM_001292043.2, NM_001349451.2); short protein forms A290V, A388V.
Identifiers: ClinVar variation 2014016 (VCV002014016.4), dbSNP rs866130408, ClinGen allele CA351690381.

ClinVar aggregate classification (germline): Uncertain significance (1 of 4 stars; one submission).

Submission:

Labcorp Genetics (formerly Invitae), Labcorp
Classification: Uncertain significance. Last evaluated: 2022-10-16. Review status: criteria provided, single submitter. Criteria: Invitae Variant Classification Sherloc (09022015). Collection method: clinical testing. Allele origin: germline.
Comment: In summary, the available evidence is currently insufficient to determine the role of this variant in disease. Therefore, it has been classified as a Variant of Uncertain Significance. Advanced modeling of protein sequence and biophysical properties (such as structural, functional, and spatial information, amino acid conservation, physicochemical variation, residue mobility, and thermodynamic stability) performed at Invitae indicates that this missense variant is not expected to disrupt SETD5 protein function. This variant has not been reported in the literature in individuals affected with SETD5-related conditions. This variant is not present in population databases (gnomAD no frequency). This sequence change replaces alanine, which is neutral and non-polar, with valine, which is neutral and non-polar, at codon 388 of the SETD5 protein (p.Ala388Val).